The following is an entry in ClinVar:

ClinVar aggregate classification (germline): Uncertain significance (1 of 4 stars; one submission).

Allele frequency attached by ClinVar (database versions not stated): ExAC 0.00004; gnomAD 0.00002; gnomAD exomes below 0.00001; TOPMed 0.00002.
gnomAD v4.1: 10 of 1,568,578 alleles (0.00064%); highest among the groups gnomAD compares: Admixed American, 0.015%; no homozygotes.

Submission:

Ambry Genetics
Classification: Uncertain significance. Last evaluated: 2026-06-23. Review status: criteria provided, single submitter. Criteria: Ambry Variant Classification Scheme 2023. Collection method: clinical testing. Allele origin: germline.
Comment: The c.16156G>C (p.E5386Q) alteration is located in exon 39 (coding exon 39) of the MUC5B gene. This alteration results from a G to C substitution at nucleotide position 16156, causing the glutamic acid (E) at amino acid position 5386 to be replaced by a glutamine (Q). Based on data from gnomAD, the C allele has an overall frequency of 0.002% (4/183352) total alleles studied. The highest observed frequency was 0.011% (3/27442) of Latino alleles. Based on insufficient or conflicting evidence, the clinical significance of this alteration remains unclear.

NM_002458.3(MUC5B):c.16156G>C (p.Glu5386Gln)

Gene: MUC5B (mucin 5B, oligomeric mucus/gel-forming; plus strand). Cytogenetic location: 11p15.5.
Variant type: single nucleotide variant.
Coding change: c.16156G>C on transcript NM_002458.3 (MANE Select); coding-DNA position 16156, G replaced by C.
Protein change: p.Glu5386Gln; replaces glutamic acid 5386 with glutamine.
Molecular consequence: missense variant.
Genome position (GRCh38, 1-based): chr11:1,256,690, G>C. VCF-style: chr11-1256690-G-C. GRCh37 (hg19) VCF-style: chr11-1277920-G-C.
Other names: short protein forms E5386Q.
Identifiers: ClinVar variation 3149448 (VCV003149448.2), dbSNP rs756235932, ClinGen allele CA5809298.